The following is an entry in ClinVar:

ClinVar aggregate classification (germline): Likely pathogenic. Review status: criteria provided, multiple submitters, no conflicts (2 of 4 stars). 24 submissions from 23 submitters: Likely pathogenic (22). 2 of the submissions do not count toward it. Last evaluated 2026-09-03.

Conditions:
CHEK2-related disorder.
CHEK2-related cancer predisposition (TPDS4). Also called: TUMOR PREDISPOSITION SYNDROME 4; CANCER PREDISPOSITION SYNDROME, CHEK2-RELATED; CHEK2-related cancer susceptibility. Identifiers: Orphanet 524, MedGen C5882668, MONDO:0700271, OMIM 609265.
Bone osteosarcoma. Also called: Osteosarcoma, somatic. Identifiers: Orphanet 668, MedGen C0585442, MONDO:0002629, OMIM 259500.
Familial prostate cancer. Also called: Hereditary Prostate Cancer. Identifiers: MedGen C2931456, MONDO:0700275, OMIM 176807.
Hereditary breast ovarian cancer syndrome. Also called: Breast and ovarian cancer; Hereditary breast and/or ovarian cancer syndrome; Hereditary breast and ovarian cancer syndrome; Hereditary breast and ovarian cancer syndrome (HBOC); Hereditary breast and ovarian cancer; BRCA1- and BRCA2-Associated Hereditary Breast and Ovarian Cancer. Identifiers: Orphanet 145, MedGen C0677776, MeSH D061325, MONDO:0003582. Disease mechanism: loss of function.
Familial cancer of breast. Also called: BREAST CANCER, FAMILIAL; hereditary breast carcinoma; Hereditary breast cancer. Identifiers: Orphanet 227535, MedGen C0346153, MONDO:0016419, OMIM 114480. Disease mechanism: loss of function.
Predisposition to cancer.
Hereditary cancer-predisposing syndrome. Also called: Neoplastic Syndromes, Hereditary; Hereditary neoplastic syndrome; Hereditary Cancer Syndrome; Tumor predisposition. Identifiers: Orphanet 140162, MedGen C0027672, MeSH D009386, MONDO:0015356.

Allele frequency attached by ClinVar (database versions not stated): gnomAD 0.00003; TOPMed 0.00010; ExAC 0.00030.
gnomAD v4.1: 104 of 1,613,826 alleles (0.0064%); highest among the groups gnomAD compares: Admixed American, 0.17%; no homozygotes.

Submissions 1 to 4 of 24:

GeneDx
Classification: Likely pathogenic. Last evaluated: 2026-09-03. Review status: criteria provided, single submitter. Criteria: GeneDx Variant Classification Process June 2021. Collection method: clinical testing. Allele origin: germline.
Comment: Published functional studies suggest a damaging effect: decreased DNA damage response in a yeast-based assay, impaired KAP1 phosphorylation and CHEK2 auto-phosphorylation in vitro (PMID: 37449874, 30851065); Observed in individuals with a personal or family history of breast, prostate, and other cancers (PMID: 32885271, 33471991, 25186627, 37145128, 36833268, 35467778, 38748947, 39815370); Case-control studies support this variant is associated with breast cancer, particularly in individuals of Hispanic/Latina ancestry (PMID: 37839337, 31206626, 37449874); In silico analysis supports that this missense variant has a deleterious effect on protein structure/function; Also known as c.836T>C, p.L279P; This variant is associated with the following publications: (PMID: 27621404, 25186627, 31398194, 25318351, 32598223, 33471991, 37145128, 30262796, 31206626, 32885271, 37380563, 36833268, 38091153, 37839337, 38093606, 37449874, 38608781, 38735436, Olivares2023[abstract], 34404389, 30851065, 38748947, 35467778, 39327123, 38959470, 39815370, 22419737, 19782031, 40956513, DeLaFuente-Hernandez_2026[CaseReport], 38127826, 41919248, 39778127)

PreventionGenetics, part of Exact Sciences
Classification: Likely pathogenic for CHEK2-related condition. Last evaluated: 2026-06-17. Review status: criteria provided, single submitter. Criteria: ACMG Guidelines, 2015. Collection method: clinical testing. Allele origin: germline.
Comment: The CHEK2 c.707T>C variant is predicted to result in the amino acid substitution p.Leu236Pro. This variant has been reported to be significantly enriched in females of Hispanic ancestry with breast cancer when compared to controls (OR=2.41, CI=1.87–3.09, p = 5.35×10^12 in Mundt et al. 2023. PubMed ID: 37839337; Weitzel et al. 2019. PubMed ID: 31206626). This variant occurs in the kinase domain of the CHEK2 protein near the ATP binding site (Oliver et al. 2006. PubMed ID: 16794575; Figure 2, Cai et al. 2009. PubMed ID: 19782031; Lountos et al. 2011. PubMed ID: 21963792; Roeb et al. 2012. PubMed ID: 22419737). In addition to breast cancer, this variant has also been reported in an individual with pediatric onset acute lymphoblastic leukemia (Table S4c_TSG, Zhang et al. 2015. PubMed ID: 26580448) and in individuals undergoing hereditary cancer genetic testing (Table 2, Yorczyk et al. 2015. PubMed ID: 25318351; Table 2, Balmaña et al. 2016. PubMed ID: 27621404). Experimental evidence utilizing an in vivo, yeast-based, functional assay found the variant to be damaging (Delimitsou et al. 2019. PubMed ID: 30851065). This variant is reported in 0.25% of alleles in individuals of Latino descent in gnomAD and has not been observed in other ancestral populations. This variant is interpreted as likely pathogenic in ClinVar (Variation ID: 142448). Based on this evidence, we interpret this variant as likely pathogenic.

Labcorp Genetics (formerly Invitae), Labcorp
Classification: Likely pathogenic for Familial cancer of breast. Last evaluated: 2026-02-02. Review status: criteria provided, single submitter. Criteria: Invitae Variant Classification Sherloc (09022015). Collection method: clinical testing. Allele origin: germline.
Comment: This sequence change replaces leucine, which is neutral and non-polar, with proline, which is neutral and non-polar, at codon 236 of the CHEK2 protein (p.Leu236Pro). This variant is present in population databases (rs587782471, gnomAD 0.2%), and has an allele count higher than expected for a pathogenic variant. This missense change has been observed in individual(s) with a strong personal and family history of breast cancer and other cancers, with nearly 80% of these families reporting Hispanic ancestry. In the Hispanic population, this variant has been observed more frequently among individuals with breast cancer than among controls (OR=3.2, 95% CI [1.5-6.5], p=0.0016), and has been reported as a possible founder mutation (PMID: 25186627, 25318351, 31206626, 37839337; internal data). ClinVar contains an entry for this variant (Variation ID: 142448). An algorithm developed to predict the effect of missense changes on protein structure and function (PolyPhen-2) suggests that this variant is likely to be disruptive. Experimental studies have shown that this missense change affects CHEK2 function (PMID: 30851065, 37449874). In summary, the currently available evidence indicates that the variant is pathogenic, but additional data are needed to prove that conclusively. Therefore, this variant has been classified as Likely Pathogenic.

Color Diagnostics, LLC DBA Color Health
Classification: Likely pathogenic for Hereditary cancer-predisposing syndrome. Last evaluated: 2025-11-24. Review status: criteria provided, single submitter. Criteria: ACMG Guidelines, 2015. Collection method: clinical testing. Allele origin: germline.
Comment: This missense variant replaces leucine with proline at codon 236 of the CHEK2 protein. Computational prediction is inconclusive regarding the impact of this variant on protein structure and function. Crystal structure studies on CHEK2 place the reference p.Leu236 in the kinase domain near the ATP binding site and implicate it in mediating CHEK2 dimerization, which is required to form an active kinase (PMID: 16794575, 19782031). Functional studies have shown this variant impairs DNA damage response in yeast (PMID: 30851065) and impairs KAP1 phosphorylation and CHK2 autophosphorylation in complementation assays (PMID: 37449874). This variant has been reported in individuals affected with breast cancer (PMID: 25186627, 30262796, 33471991). A breast cancer case-control study in the Latino population has shown that this variant is associated with increased breast cancer risk with odds ratio of 3.2 (95% CI, 1.5-6.5P = .002) (PMID: 31206626). This variant has been identified in 104/1613826 chromosomes in the general population by the Genome Aggregation Database (gnomAD). Based on the available evidence, this variant is classified as Likely Pathogenic.

NM_007194.4(CHEK2):c.707T>C (p.Leu236Pro)

Gene: CHEK2 (checkpoint kinase 2; minus strand). Cytogenetic location: 22q12.1.
Variant type: single nucleotide variant.
Coding change: c.707T>C on transcript NM_007194.4 (MANE Select); coding-DNA position 707, T replaced by C.
Protein change: p.Leu236Pro; replaces leucine 236 with proline.
Molecular consequence: missense variant.
Genome position (GRCh38, 1-based): chr22:28,711,994, A>G on the plus strand (T>C on the coding strand, the complement: CHEK2 is on the minus strand). VCF-style: chr22-28711994-A-G. GRCh37 (hg19) VCF-style: chr22-29107982-A-G.
Other names: p.L236P:CTG>CCG; c.506T>C, p.Leu169Pro (NM_001349956.3); c.707T>C, p.Leu236Pro (NM_145862.3); c.836T>C, p.Leu279Pro (NM_001005735.3); c.44T>C, p.Leu15Pro (NM_001257387.3); short protein forms L236P, L15P, L169P, L279P.
Identifiers: ClinVar variation 142448 (VCV000142448.69), dbSNP rs587782471, ClinGen allele CA294400.
Genomic context (GRCh38, chr22:28,711,994, plus strand): 5'-AACTTCCTTTTGCTGATGATCTTTATGGCTACTTTCTTACATGTTTTCCTCTCGAAAGCC[A>G]GCTTTACCTCTCCACAGGCACCACTAGAGGGAAAAACAAAGATAGTGATTGTCTGAATGT-3'
Protein context (NP_009125.1, residues 226-246): LGSGACGEVK[Leu236Pro]AFERKTCKKV